The following is an entry in ClinVar:

ClinVar aggregate classification (germline): Likely pathogenic (1 of 4 stars; one submission).

Conditions:
Retinitis pigmentosa 25 (RP25). Identifiers: Orphanet 791, MedGen C1864446, MONDO:0011272, OMIM 602772.

Submission:

Natera, Inc.
Classification: Likely pathogenic for Retinitis pigmentosa type 25. Last evaluated: 2024-06-04. Review status: criteria provided, single submitter. Criteria: Natera Variant Classification Schema (03/2026). Collection method: clinical testing. Allele origin: germline.
Comment: The c.2370del variant in EYS is a frameshift variant predicted to shift the reading frame and introduce a stop codon. This variant is expected to result in nonsense mediated decay, truncation, or a dysfunctional protein product. This variant is rare in the general population with a frequency below the threshold expected for the associated phenotype(s). Given the available evidence, this variant is classified as Likely Pathogenic.

NM_001142800.2(EYS):c.2370del (p.Leu789_Tyr790insTer)

Gene: EYS (EGF-like photoreceptor maintenance factor; minus strand). Cytogenetic location: 6q12.
Variant type: Deletion.
Coding change: c.2370del on transcript NM_001142800.2 (MANE Select); coding-DNA position 2370, one base deleted (C; older notation c.2370delC).
Protein change: p.Leu789_Tyr790insTer.
Molecular consequence: nonsense.
Genome position (GRCh38, 1-based): chr6:64,945,804, G deleted on the plus strand (C on the coding strand, the reverse complement: EYS is on the minus strand). VCF-style (leftmost placement, unchanged base first): chr6-64945803-TG-T. GRCh37 (hg19) VCF-style: chr6-65655696-TG-T.
Other names: c.2370del, p.Leu789_Tyr790insTer (NM_001292009.2).
Identifiers: ClinVar variation 4814618 (VCV004814618.1).